The following is an entry in ClinVar:

NM_001453.3(FOXC1):c.387C>A (p.Asn129Lys)

Gene: FOXC1 (forkhead box C1; plus strand). Cytogenetic location: 6p25.3.
Variant type: single nucleotide variant.
Coding change: c.387C>A on transcript NM_001453.3 (MANE Select); coding-DNA position 387, C replaced by A.
Protein change: p.Asn129Lys; replaces asparagine 129 with lysine.
Molecular consequence: missense variant.
Genome position (GRCh38, 1-based): chr6:1,610,832, C>A. VCF-style: chr6-1610832-C-A. GRCh37 (hg19) VCF-style: chr6-1611067-C-A.
Other names: short protein forms N129K.
Identifiers: ClinVar variation 1048613 (VCV001048613.2), dbSNP rs751776784, ClinGen allele CA362558708.

ClinVar aggregate classification (germline): Uncertain significance. Review status: criteria provided, multiple submitters, no conflicts (2 of 4 stars). 2 submissions from 2 submitters: Uncertain significance (2). Last evaluated 2021-03-10.

Conditions:
Axenfeld-Rieger syndrome type 3 (RIEG3). Also called: AXENFELD-RIEGER ANOMALY WITH CARDIAC DEFECTS AND/OR SENSORINEURAL HEARING LOSS. Identifiers: Orphanet 782, MedGen C2678503, MONDO:0011233, OMIM 602482.

Submissions (2):

HudsonAlpha Institute for Biotechnology
Classification: Uncertain significance for Axenfeld-Rieger syndrome type 3. Last evaluated: 2021-03-10. Review status: criteria provided, single submitter. Criteria: ACMG Guidelines, 2015. Collection method: research. Allele origin: inherited. Observed: 1 variant allele. Study: CSER-SouthSeq.
Comment: ACMG codes:PM2; PP3

Blueprint Genetics
Classification: Uncertain significance. Last evaluated: 2021-03-04. Review status: criteria provided, single submitter. Criteria: ACMG Guidelines, 2015. Collection method: clinical testing. Allele origin: germline.